The following is an entry in ClinVar:

ClinVar aggregate classification (germline): Conflicting classifications of pathogenicity. Review status: criteria provided, conflicting classifications (1 of 4 stars). 7 submissions from 7 submitters: Pathogenic (1); Likely pathogenic (1); Uncertain significance (1). 4 of the submissions do not count toward it. Last evaluated 2024-12-10.

Conditions:
CLPB-related disorder. Also called: CLPB-related condition.
3-methylglutaconic aciduria, type VIIB (MGCA7B). Also called: CLPB Deficiency; 3-methylglutaconic aciduria with cataracts, neurologic involvement and neutropenia; 3-methylglutaconic aciduria, type VII, with cataracts, neurologic involvement and neutropenia. Identifiers: Orphanet 445038, MedGen C5676893, MONDO:0014561, OMIM 616271.

Allele frequency attached by ClinVar (database versions not stated): gnomAD 0.00003; TOPMed 0.00001; gnomAD exomes 0.00002 and below 0.00001.

Submissions (7):

Labcorp Genetics (formerly Invitae), Labcorp
Classification: Pathogenic for 3-methylglutaconic aciduria, type VIIB. Last evaluated: 2024-12-10. Review status: criteria provided, single submitter. Criteria: Invitae Variant Classification Sherloc (09022015). Collection method: clinical testing. Allele origin: germline.
Comment: This sequence change replaces threonine, which is neutral and polar, with methionine, which is neutral and non-polar, at codon 268 of the CLPB protein (p.Thr268Met). This variant is present in population databases (rs200032855, gnomAD 0.002%). This missense change has been observed in individuals with autosomal recessive 3-methylglutaconic aciduria (PMID: 25597511, 28687938). It has also been observed to segregate with disease in related individuals. ClinVar contains an entry for this variant (Variation ID: 187787). An algorithm developed to predict the effect of missense changes on protein structure and function (PolyPhen-2) suggests that this variant is likely to be disruptive. Experimental studies have shown that this missense change affects CLPB function (PMID: 32573439). For these reasons, this variant has been classified as Pathogenic.

CeGaT Center for Human Genetics Tuebingen
Classification: Uncertain significance. Last evaluated: 2024-11-01. Review status: criteria provided, single submitter. Criteria: CeGaT Center For Human Genetics Tuebingen Variant Classification Criteria Version 2. Collection method: clinical testing. Allele origin: germline. Affected: yes. Observed: 1 variant allele.
Comment: CLPB: PM2, PM3, PS3:Supporting

GeneDx
Classification: Likely pathogenic. Last evaluated: 2024-06-04. Review status: criteria provided, single submitter. Criteria: GeneDx Variant Classification Process June 2021. Collection method: clinical testing. Allele origin: germline. Affected: yes.
Comment: Published functional studies suggest this variant is associated with impaired protein disaggregation (PMID: 37041140); In silico analysis supports that this missense variant has a deleterious effect on protein structure/function; This variant is associated with the following publications: (PMID: 27137937, 28687938, 27891836, 32573439, 37163603, 36745679, 25597511, 37041140)

PreventionGenetics, part of Exact Sciences
Classification: Likely pathogenic for CLPB-related condition. Last evaluated: 2023-11-09. Review status: no assertion criteria provided. Collection method: clinical testing. Allele origin: germline. Not counted in ClinVar's aggregate classification.
Comment: The CLPB c.803C>T variant is predicted to result in the amino acid substitution p.Thr268Met. This variant has been reported in the homozygous state in individuals from multiple families with 3-methylglutaconic aciduria (Saunders et al. 2015. PubMed ID: 25597511; Pronicka et al. 2017. PubMed ID: 28687938). Immunoblot analysis of patient fibroblasts showed no detectable CLPB protein (Saunders et al. 2015. PubMed ID: 25597511). In vitro functional studies have also demonstrated that this variant affects CLPB function (Cupo et al. 2020. PubMed ID: 32573439; Lee et al. 2023. PubMed ID: 37041140). This variant is reported in 0.0015% of alleles in individuals of European (non-Finnish) descent in gnomAD. This variant is interpreted as likely pathogenic.

OMIM
Classification: Pathogenic for 3-METHYLGLUTACONIC ACIDURIA, TYPE VIIB. Last evaluated: 2015-02-05. Review status: no assertion criteria provided. Collection method: literature only. Allele origin: germline. Not counted in ClinVar's aggregate classification.

GeneReviews
No classification provided. Condition: 3-methylglutaconic aciduria, type VIIB. Review status: no classification provided. Collection method: literature only. Allele origin: germline. Affected: yes. Not counted in ClinVar's aggregate classification.

Hong-Tao Li Lab, Institute of Brain Science and Brain-inspired Research, Shandong First Medical University & Shandong Academy of Medical Sciences China
Classification: Uncertain significance for 3-methylglutaconic aciduria, type VIIB. Review status: no assertion criteria provided. Collection method: research. Allele origin: germline. Inheritance: Autosomal recessive inheritance. Affected: yes. Observed: 1 variant allele, 1 homozygote. Not counted in ClinVar's aggregate classification.
Comment: Observed in affected individuals from a Pakistani neurodevelopmental-disorder research cohort of 263 individuals. Classification assigned using the ACMG/AMP framework. Population-frequency evidence: gnomAD AF 7.077e-06.

Literature cited by the submitters: PubMed 25597511 (cited by 3 submitters); PubMed 28687938 (cited by Labcorp Genetics (formerly Invitae), Labcorp); PubMed 32573439 (cited by Labcorp Genetics (formerly Invitae), Labcorp); NCBI Bookshelf NBK396257 (cited by GeneReviews).

NM_001258392.3(CLPB):c.713C>T (p.Thr238Met)

Gene: CLPB (ClpB family mitochondrial disaggregase; minus strand). Cytogenetic location: 11q13.4.
Variant type: single nucleotide variant.
Coding change: c.713C>T on transcript NM_001258392.3 (MANE Select); coding-DNA position 713, C replaced by T.
Protein change: p.Thr238Met; replaces threonine 238 with methionine.
Molecular consequence: missense variant.
Genome position (GRCh38, 1-based): chr11:72,358,942, G>A on the plus strand (C>T on the coding strand, the complement: CLPB is on the minus strand). VCF-style: chr11-72358942-G-A. GRCh37 (hg19) VCF-style: chr11-72069986-G-A.
Other names: c.626C>T, p.Thr209Met (NM_001258393.3); c.668C>T, p.Thr223Met (NM_001258394.3); c.803C>T, p.Thr268Met (NM_030813.6); short protein forms T268M, T238M, T209M, T223M.
Identifiers: ClinVar variation 187787 (VCV000187787.34), dbSNP rs200032855, ClinGen allele CA082801.